The following is an entry in ClinVar:

ClinVar aggregate classification (germline): Uncertain significance (1 of 4 stars; one submission).

Allele frequency attached by ClinVar (database versions not stated): gnomAD exomes below 0.00001.
gnomAD v4.1: 2 of 1,613,958 alleles (0.00012%); highest among the groups gnomAD compares: East Asian, 0.0022%; no homozygotes.

Submission:

Labcorp Genetics (formerly Invitae), Labcorp
Classification: Uncertain significance. Last evaluated: 2024-10-24. Review status: criteria provided, single submitter. Criteria: Invitae Variant Classification Sherloc (09022015). Collection method: clinical testing. Allele origin: germline.
Comment: This sequence change replaces glutamic acid, which is acidic and polar, with lysine, which is basic and polar, at codon 1108 of the ATP8A2 protein (p.Glu1108Lys). This variant is present in population databases (no rsID available, gnomAD 0.003%). This variant has not been reported in the literature in individuals affected with ATP8A2-related conditions. ClinVar contains an entry for this variant (Variation ID: 2127664). Invitae Evidence Modeling of protein sequence and biophysical properties (such as structural, functional, and spatial information, amino acid conservation, physicochemical variation, residue mobility, and thermodynamic stability) indicates that this missense variant is not expected to disrupt ATP8A2 protein function with a negative predictive value of 80%. In summary, the available evidence is currently insufficient to determine the role of this variant in disease. Therefore, it has been classified as a Variant of Uncertain Significance.

NM_016529.6(ATP8A2):c.3322G>A (p.Glu1108Lys)

Gene: ATP8A2 (ATPase phospholipid transporting 8A2). Cytogenetic location: 13q12.13.
Variant type: single nucleotide variant.
Coding change: c.3322G>A on transcript NM_016529.6 (MANE Select); coding-DNA position 3322, G replaced by A.
Protein change: p.Glu1108Lys; replaces glutamic acid 1108 with lysine.
Molecular consequence: missense variant.
Genome position (GRCh38, 1-based): chr13:25,968,624, G>A. VCF-style: chr13-25968624-G-A. GRCh37 (hg19) VCF-style: chr13-26542762-G-A.
Other names: c.3127G>A, p.Glu1043Lys (NM_001313741.1); c.3247G>A, p.Glu1083Lys (NM_001411005.1); short protein forms E1083K, E1043K, E1108K.
Identifiers: ClinVar variation 2127664 (VCV002127664.3), dbSNP rs1203800772, ClinGen allele CA387617206.